The following is an entry in ClinVar:

ClinVar aggregate classification (germline): Uncertain significance. Review status: criteria provided, multiple submitters, no conflicts (2 of 4 stars). 3 submissions from 3 submitters: Uncertain significance (2). 1 of the submissions does not count toward it. Last evaluated 2025-03-15.

Conditions:
Fanconi anemia (FA). Also called: Fanconi's anemia. Identifiers: Orphanet 84, MedGen C0015625, MeSH D005199, MONDO:0019391.
Inborn genetic diseases. Identifiers: MedGen C0950123, MeSH D030342.

Allele frequency attached by ClinVar (database versions not stated): gnomAD 0.00002 and 0.00001; gnomAD exomes 0.00001; TOPMed 0.00003.
gnomAD v4.1: 15 of 1,613,230 alleles (0.00093%); highest among the groups gnomAD compares: African/African-American, 0.0027%; no homozygotes.

Submissions (3):

Ambry Genetics
Classification: Uncertain significance for Inborn genetic diseases. Last evaluated: 2025-03-15. Review status: criteria provided, single submitter. Criteria: Ambry Variant Classification Scheme 2023. Collection method: clinical testing. Allele origin: germline.
Comment: The p.S844P variant (also known as c.2530T>C), located in coding exon 27 of the FANCA gene, results from a T to C substitution at nucleotide position 2530. The serine at codon 844 is replaced by proline, an amino acid with similar properties. This amino acid position is conserved. In addition, the in silico prediction for this alteration is inconclusive. Based on the available evidence, the clinical significance of this variant remains unclear.

Labcorp Genetics (formerly Invitae), Labcorp
Classification: Uncertain significance for Fanconi anemia. Last evaluated: 2021-09-01. Review status: criteria provided, single submitter. Criteria: Invitae Variant Classification Sherloc (09022015). Collection method: clinical testing. Allele origin: germline.
Comment: This sequence change replaces serine with proline at codon 844 of the FANCA protein (p.Ser844Pro). The serine residue is weakly conserved and there is a moderate physicochemical difference between serine and proline. This variant is not present in population databases (ExAC no frequency). This variant has not been reported in the literature in individuals affected with FANCA-related conditions. Algorithms developed to predict the effect of missense changes on protein structure and function (SIFT, PolyPhen-2, Align-GVGD) all suggest that this variant is likely to be tolerated. In summary, the available evidence is currently insufficient to determine the role of this variant in disease. Therefore, it has been classified as a Variant of Uncertain Significance.

Natera, Inc.
Classification: Uncertain significance for Fanconi anemia. Last evaluated: 2020-03-27. Review status: no assertion criteria provided. Collection method: clinical testing. Allele origin: germline. Not counted in ClinVar's aggregate classification.

NM_000135.4(FANCA):c.2530T>C (p.Ser844Pro)

Gene: FANCA (FA complementation group A; minus strand). Cytogenetic location: 16q24.3.
Variant type: single nucleotide variant.
Coding change: c.2530T>C on transcript NM_000135.4 (MANE Select); coding-DNA position 2530, T replaced by C.
Protein change: p.Ser844Pro; replaces serine 844 with proline.
Molecular consequence: missense variant.
Genome position (GRCh38, 1-based): chr16:89,767,212, A>G on the plus strand (T>C on the coding strand, the complement: FANCA is on the minus strand). VCF-style: chr16-89767212-A-G. GRCh37 (hg19) VCF-style: chr16-89833620-A-G.
Other names: c.2530T>C, p.Ser844Pro (NM_001286167.3); c.2530T>C (NM_000135.2); short protein forms S844P.
Identifiers: ClinVar variation 1062499 (VCV001062499.10), dbSNP rs1017352035, ClinGen allele CA286558630.